The following is an entry in ClinVar:

NM_007294.4(BRCA1):c.3699del (p.Lys1233_Val1234insTer)

Genes: BRCA1 (BRCA1 DNA repair associated; minus strand), LOC126862571 (BRD4-independent group 4 enhancer GRCh37_chr17:41243136-41244335; plus strand). Cytogenetic location: 17q21.31.
Variant type: Deletion.
Coding change: c.3699del on transcript NM_007294.4 (MANE Select); coding-DNA position 3699, one base deleted (A; older notation c.3699delA).
Protein change: p.Lys1233_Val1234insTer.
Molecular consequence: frameshift variant. On other transcripts: intron variant (135), nonsense (1).
Genome position (GRCh38, 1-based): chr17:43,091,832, T deleted on the plus strand (A on the coding strand, the reverse complement: BRCA1 is on the minus strand); the first of 3 consecutive T bases (chr17:43,091,832-43,091,834); deleting any one gives the same sequence. VCF-style (leftmost placement, unchanged base first): chr17-43091831-CT-C. GRCh37 (hg19) VCF-style: chr17-41243848-CT-C.
Other names: 3818delA; c.3435del, p.Lys1145_Val1146insTer (NM_001407920.1, NM_001407921.1, NM_001407922.1 and 9 more transcripts); c.3432del, p.Lys1144_Val1145insTer (NM_001407930.1, NM_001407931.1, NM_001407932.1 and 2 more transcripts); c.3576del, p.Lys1192_Val1193insTer (NM_001407937.1, NM_001407938.1, NM_001407939.1 and 19 more transcripts); c.3573del, p.Lys1191_Val1192insTer (NM_001407940.1, NM_001407941.1, NM_001407649.1 and 11 more transcripts); c.3558del, p.Lys1186_Val1187insTer (NM_001407942.1, NM_001407944.1, NM_001407945.1 and 29 more transcripts); c.3555del, p.Lys1185_Val1186insTer (NM_001407943.1, NM_001407964.1, NM_001407740.1 and 20 more transcripts); c.3366del, p.Lys1122_Val1123insTer (NM_001407946.1, NM_001407947.1, NM_001407948.1 and 6 more transcripts); and 43 more.
Identifiers: ClinVar variation 54965 (VCV000054965.5), dbSNP rs80357873, ClinGen allele CA002366.
Genomic context (GRCh38, chr17:43,091,831, plus strand): 5'-TAGACAGACACTCGGTAGCAACGGTGCTATGCCTAGTAGACTGAGAAGGTATATTGTTTA[CT>C]TTACCAAATAACAAGTGTTGGAAGCAGGGAAGCTCTTCATCCTCACTAGATAAGTTCTCT-3'

ClinVar aggregate classification (germline): Uncertain significance. Review status: criteria provided, single submitter (1 of 4 stars). 2 submissions from 2 submitters: Uncertain significance (1). 1 of the submissions does not count toward it. Last evaluated 2024-04-11.

Conditions:
Hereditary cancer-predisposing syndrome. Also called: Hereditary Cancer Syndrome; Hereditary neoplastic syndrome; Neoplastic Syndromes, Hereditary; Tumor predisposition. Identifiers: Orphanet 140162, MedGen C0027672, MeSH D009386, MONDO:0015356.
Breast-ovarian cancer, familial, susceptibility to, 1 (BROVCA1). Also called: BRCA1 Hereditary Breast and Ovarian Cancer; OVARIAN CANCER, SUSCEPTIBILITY TO. Identifiers: Orphanet 145, MedGen C2676676, MONDO:0011450, OMIM 604370. Disease mechanism: loss of function.

Submissions (2):

Ambry Genetics
Classification: Uncertain significance for Hereditary cancer-predisposing syndrome. Last evaluated: 2024-04-11. Review status: criteria provided, single submitter. Criteria: Ambry Variant Classification Scheme 2023. Collection method: clinical testing. Allele origin: germline.
Comment: The c.3699delA variant, located in coding exon 9 of the BRCA1 gene, results from a deletion of one nucleotide at nucleotide position 3699, causing a translational frameshift with a predicted alternate stop codon (p.V1234*). This variant was reported in at least one individual undergoing genetic testing based on a personal and/or family history of HBOC-related disease (van der Hout AH et al. Hum Mutat, 2006 Jul;27:654-66). In silico analysis predicts that this alteration will result in the creation or strengthening of a novel splice donor site. This novel donor site, if utilized, would result in an in-frame transcript with unknown functional impact that removes the premature stop codon; however, direct evidence is insufficient at this time (Ambry internal data). Based on the available evidence, the clinical significance of this variant remains unclear.

Breast Cancer Information Core (BIC) (BRCA1)
Classification: Pathogenic for Breast-ovarian cancer, familial 1. Last evaluated: 1997-04-10. Review status: no assertion criteria provided. Collection method: clinical testing. Allele origin: germline. Affected: yes. Observed: 1 variant allele. Not counted in ClinVar's aggregate classification.

Literature cited by the submitters: PubMed 16683254 (cited by Ambry Genetics).